The following is an entry in ClinVar:

ClinVar aggregate classification (germline): Uncertain significance. Review status: criteria provided, multiple submitters, no conflicts (2 of 4 stars). 4 submissions from 4 submitters: Uncertain significance (3). 1 of the submissions does not count toward it. Last evaluated 2024-04-17.

Conditions:
Autosomal dominant polycystic liver disease. Also called: Polycystic liver disease; Congenital cystic disease of liver. Identifiers: Orphanet 2924, MedGen C0158683, MONDO:0000447, HP:0006557.
Inborn genetic diseases. Identifiers: MedGen C0950123, MeSH D030342.
Polycystic liver disease 1 (PCLD1). Also called: Polycystic liver disease 1 with or without kidney cysts. Identifiers: Orphanet 2924, MedGen C0887850, MONDO:0008265, OMIM 174050.

Allele frequency attached by ClinVar (database versions not stated): TOPMed 0.00001.
gnomAD v4.1: 18 of 1,598,338 alleles (0.0011%); highest among the groups gnomAD compares: Non-Finnish European, 0.0014%; no homozygotes.

Submissions (4):

Labcorp Genetics (formerly Invitae), Labcorp
Classification: Uncertain significance. Last evaluated: 2024-04-17. Review status: criteria provided, single submitter. Criteria: Invitae Variant Classification Sherloc (09022015). Collection method: clinical testing. Allele origin: germline.
Comment: This sequence change replaces glutamic acid, which is acidic and polar, with lysine, which is basic and polar, at codon 330 of the PRKCSH protein (p.Glu330Lys). The frequency data for this variant in the population databases is considered unreliable, as metrics indicate poor data quality at this position in the gnomAD database. This variant has not been reported in the literature in individuals affected with PRKCSH-related conditions. ClinVar contains an entry for this variant (Variation ID: 1255647). An algorithm developed to predict the effect of missense changes on protein structure and function (PolyPhen-2) suggests that this variant is likely to be tolerated. In summary, the available evidence is currently insufficient to determine the role of this variant in disease. Therefore, it has been classified as a Variant of Uncertain Significance.

Ambry Genetics
Classification: Uncertain significance for Inborn genetic diseases. Last evaluated: 2024-02-21. Review status: criteria provided, single submitter. Criteria: Ambry Variant Classification Scheme 2023. Collection method: clinical testing. Allele origin: germline.

Fulgent Genetics
Classification: Uncertain significance for Polycystic liver disease 1. Last evaluated: 2024-02-06. Review status: criteria provided, single submitter. Criteria: ACMG Guidelines, 2015. Collection method: clinical testing. Allele origin: germline.

Laboratory of Gastroenterology and Hepatology, Radboud University Medical Center
Classification: Uncertain significance for Autosomal dominant polycystic liver disease. Last evaluated: 2021-09-01. Review status: no assertion criteria provided. Collection method: research. Allele origin: germline. Affected: yes. Not counted in ClinVar's aggregate classification.

NM_001289104.2(PRKCSH):c.988G>A (p.Glu330Lys)

Gene: PRKCSH (PRKCSH beta subunit of glucosidase II; plus strand). Cytogenetic location: 19p13.2.
Variant type: single nucleotide variant.
Coding change: c.988G>A on transcript NM_001289104.2 (MANE Select); coding-DNA position 988, G replaced by A.
Protein change: p.Glu330Lys; replaces glutamic acid 330 with lysine.
Molecular consequence: missense variant.
Genome position (GRCh38, 1-based): chr19:11,447,577, G>A. VCF-style: chr19-11447577-G-A. GRCh37 (hg19) VCF-style: chr19-11558392-G-A.
Other names: c.988G>A, p.Glu330Lys (NM_001001329.3, NM_001289102.2, NM_001289103.2 and 3 more transcripts); c.988G>A (NM_002743.2); short protein forms E330K.
Identifiers: ClinVar variation 1255647 (VCV001255647.6), dbSNP rs1397015529, ClinGen allele CA404136060.